The following is an entry in ClinVar:

ClinVar aggregate classification (germline): Uncertain significance (1 of 4 stars; one submission).

Conditions:
Cohen syndrome (COH1). Also called: PEPPER SYNDROME; Cutis verticis gyrata, retinitis pigmentosa, and sensorineural deafness. Identifiers: Orphanet 193, MedGen C0265223, MONDO:0008999, OMIM 216550.

Submission:

Labcorp Genetics (formerly Invitae), Labcorp
Classification: Uncertain significance for Cohen syndrome. Last evaluated: 2022-08-16. Review status: criteria provided, single submitter. Criteria: Invitae Variant Classification Sherloc (09022015). Collection method: clinical testing. Allele origin: germline.
Comment: In summary, the available evidence is currently insufficient to determine the role of this variant in disease. Therefore, it has been classified as a Variant of Uncertain Significance. Algorithms developed to predict the effect of missense changes on protein structure and function are either unavailable or do not agree on the potential impact of this missense change (SIFT: "Not Available"; PolyPhen-2: "Possibly Damaging"; Align-GVGD: "Not Available"). This variant has not been reported in the literature in individuals affected with VPS13B-related conditions. This variant is not present in population databases (gnomAD no frequency). This sequence change replaces tryptophan, which is neutral and slightly polar, with glycine, which is neutral and non-polar, at codon 909 of the VPS13B protein (p.Trp909Gly).

NM_152564.5(VPS13B):c.2725T>G (p.Trp909Gly)

Gene: VPS13B (vacuolar protein sorting 13 homolog B; plus strand). Cytogenetic location: 8q22.2.
Variant type: single nucleotide variant.
Coding change: c.2725T>G on transcript NM_152564.5 (MANE Select); coding-DNA position 2725, T replaced by G.
Protein change: p.Trp909Gly; replaces tryptophan 909 with glycine.
Molecular consequence: missense variant.
Genome position (GRCh38, 1-based): chr8:99,275,155, T>G. VCF-style: chr8-99275155-T-G. GRCh37 (hg19) VCF-style: chr8-100287383-T-G.
Other names: c.2725T>G, p.Trp909Gly (NM_017890.5); short protein forms W909G.
Identifiers: ClinVar variation 2139919 (VCV002139919.4), dbSNP rs2489226660, ClinGen allele CA371862550.